The following is an entry in ClinVar:

NM_005159.5(ACTC1):c.617-1G>C

Genes: ACTC1 (actin alpha cardiac muscle 1; minus strand), GJD2-DT (GJD2 divergent transcript; plus strand). Cytogenetic location: 15q14.
Variant type: single nucleotide variant.
Coding change: c.617-1G>C on transcript NM_005159.5 (MANE Select); the canonical splice acceptor site of the intron before coding-DNA position 617, G replaced by C.
Molecular consequence: splice acceptor variant.
Genome position (GRCh38, 1-based): chr15:34,792,282, C>G on the plus strand (G>C on the coding strand, the complement: ACTC1 is on the minus strand). VCF-style: chr15-34792282-C-G. GRCh37 (hg19) VCF-style: chr15-35084483-C-G.
Other names: c.617-1G>C (NM_001406483.1, NM_001406482.1); c.176-1G>C (NM_001406485.1); c.482-1G>C (NM_001406484.1).
Identifiers: ClinVar variation 3893788 (VCV003893788.1).
Genomic context (GRCh38, chr15:34,792,282, plus strand): 5'-CAAAATCCAGGGCGACATAGCACAGCTTCTCTTTAATGTCACGGACAATTTCACGTTCAG[C>G]TACAGAAATAAAGAGTATCACAGTCATGCTCTGAAGCAAGAAGTCAATTATAGGGAGGTA-3'

ClinVar aggregate classification (germline): Uncertain significance (1 of 4 stars; one submission).

Conditions:
Cardiomyopathy (CMYO). Also called: Cardiomyopathies. Identifiers: Orphanet 167848, MedGen C0878544, MONDO:0004994, HP:0001638. Inheritance: Various modes of inheritance.

Submission:

Color Diagnostics, LLC DBA Color Health
Classification: Uncertain significance for Cardiomyopathy. Last evaluated: 2024-05-13. Review status: criteria provided, single submitter. Criteria: ACMG Guidelines, 2015. Collection method: clinical testing. Allele origin: germline.
Comment: This variant causes a G to C nucleotide substitution at the -1 position of intron 4 of the ACTC1 gene. Splice prediction tools suggest that this variant may disrupt RNA splicing. To our knowledge, RNA studies have not been reported for this variant. This variant has not been reported in individuals affected with ACTC1-related disorders in the literature. This variant has not been identified in the general population by the Genome Aggregation Database (gnomAD). Clinical relevance of loss-of-function ACTC1 truncation and splice variants in autosomal dominant cardiovascular disorders is not clearly established. The available evidence is insufficient to determine the role of this variant in disease conclusively. Therefore, this variant is classified as a Variant of Uncertain Significance.